The following is an entry in ClinVar:

NM_003119.4(SPG7):c.376+105G>T

Gene: SPG7 (SPG7 matrix AAA peptidase subunit, paraplegin; plus strand). Cytogenetic location: 16q24.3.
Variant type: single nucleotide variant.
Coding change: c.376+105G>T on transcript NM_003119.4 (MANE Select); 105 bases into the intron after coding-DNA position 376, G replaced by T.
Molecular consequence: intron variant.
Genome position (GRCh38, 1-based): chr16:89,513,142, G>T. VCF-style: chr16-89513142-G-T. GRCh37 (hg19) VCF-style: chr16-89579550-G-T.
Other names: c.376+105G>T (NM_001363850.1, NM_199367.3).
Identifiers: ClinVar variation 677600 (VCV000677600.2), dbSNP rs112467227, ClinGen allele CA286523992.
Genomic context (GRCh38, chr16:89,513,142, plus strand): 5'-TCTTTACATTTCTGTTTTCCTTTTAGCAAGGTGAAACCAGTCTGGAAAATGGGGAGATGG[G>T]CCGGGTGCAGTGGCTCACACTTGTAATCGAAACGCTTTGGGAGGCCCAGGTGGAAGGATC-3'

ClinVar aggregate classification (germline): Likely benign. Review status: criteria provided, multiple submitters, no conflicts (2 of 4 stars). 2 submissions from 2 submitters: Likely benign (2). Last evaluated 2018-06-14.

Allele frequency attached by ClinVar (database versions not stated): gnomAD exomes 0.00120; 1000 Genomes Project 0.01098; 1000 Genomes Project 30x 0.01156; gnomAD 0.01269 and 0.01372; TOPMed 0.01478.
gnomAD v4.1: 3,643 of 1,494,258 alleles (0.24%); highest among the groups gnomAD compares: African/African-American, 4.4%; 78 homozygotes.

Submissions (2):

GeneDx
Classification: Likely benign. Last evaluated: 2018-06-14. Review status: criteria provided, single submitter. Criteria: GeneDx Variant Classification (06012015). Collection method: clinical testing. Allele origin: germline. Affected: yes.
Comment: This variant is considered likely benign or benign based on one or more of the following criteria: it is a conservative change, it occurs at a poorly conserved position in the protein, it is predicted to be benign by multiple in silico algorithms, and/or has population frequency not consistent with disease.

Breakthrough Genomics
Classification: Likely benign. Review status: criteria provided, single submitter. Criteria: ACMG Guidelines, 2015. Collection method: not provided. Allele origin: germline. Inheritance: Autosomal recessive inheritance. Affected: yes.